The following is an entry in ClinVar:

NM_001164508.2(NEB):c.4684G>T (p.Val1562Phe)

Gene: NEB (nebulin; minus strand). Cytogenetic location: 2q23.3.
Variant type: single nucleotide variant.
Coding change: c.4684G>T on transcript NM_001164508.2 (MANE Select); coding-DNA position 4684, G replaced by T.
Protein change: p.Val1562Phe; replaces valine 1562 with phenylalanine.
Molecular consequence: missense variant.
Genome position (GRCh38, 1-based): chr2:151,667,839, C>A on the plus strand (G>T on the coding strand, the complement: NEB is on the minus strand). VCF-style: chr2-151667839-C-A. GRCh37 (hg19) VCF-style: chr2-152524353-C-A.
Other names: c.4684G>T, p.Val1562Phe (NM_001164507.2, NM_001271208.2, NM_004543.5); short protein forms V1562F.
Identifiers: ClinVar variation 1965104 (VCV001965104.5), dbSNP rs915221327, ClinGen allele CA57647513.

ClinVar aggregate classification (germline): Uncertain significance. Review status: criteria provided, multiple submitters, no conflicts (2 of 4 stars). 2 submissions from 2 submitters: Uncertain significance (2). Last evaluated 2022-04-29.

Conditions:
Nemaline myopathy 2 (NEM2). Also called: Nemaline myopathy 2, autosomal recessive. Identifiers: MedGen C1850569, MONDO:0009725, OMIM 256030.

Allele frequency attached by ClinVar (database versions not stated): TOPMed 0.00001; gnomAD 0.00002.
gnomAD v4.1: 13 of 1,612,424 alleles (0.00081%); highest among the groups gnomAD compares: Non-Finnish European, 0.001%; no homozygotes.

Submissions (2):

Labcorp Genetics (formerly Invitae), Labcorp
Classification: Uncertain significance for Nemaline myopathy 2. Last evaluated: 2022-04-29. Review status: criteria provided, single submitter. Criteria: Invitae Variant Classification Sherloc (09022015). Collection method: clinical testing. Allele origin: germline.
Comment: This sequence change replaces valine, which is neutral and non-polar, with phenylalanine, which is neutral and non-polar, at codon 1562 of the NEB protein (p.Val1562Phe). This variant is present in population databases (no rsID available, gnomAD 0.002%). This variant has not been reported in the literature in individuals affected with NEB-related conditions. Algorithms developed to predict the effect of missense changes on protein structure and function are either unavailable or do not agree on the potential impact of this missense change (SIFT: "Deleterious"; PolyPhen-2: "Not Available"; Align-GVGD: "Class C0"). In summary, the available evidence is currently insufficient to determine the role of this variant in disease. Therefore, it has been classified as a Variant of Uncertain Significance.

Revvity Omics, Revvity
Classification: Uncertain significance. Last evaluated: 2019-05-22. Review status: criteria provided, single submitter. Criteria: ACMG Guidelines, 2015. Collection method: clinical testing. Allele origin: germline.